The following is an entry in ClinVar:

NM_005751.5(AKAP9):c.8149G>A (p.Glu2717Lys)

Gene: AKAP9 (A-kinase anchoring protein 9; plus strand). Cytogenetic location: 7q21.2.
Variant type: single nucleotide variant.
Coding change: c.8149G>A on transcript NM_005751.5 (MANE Select); coding-DNA position 8149, G replaced by A.
Protein change: p.Glu2717Lys; replaces glutamic acid 2717 with lysine.
Molecular consequence: missense variant.
Genome position (GRCh38, 1-based): chr7:92,082,651, G>A. VCF-style: chr7-92082651-G-A. GRCh37 (hg19) VCF-style: chr7-91711965-G-A.
Other names: c.2794G>A, p.Glu932Lys (NM_001379277.1); c.8125G>A, p.Glu2709Lys (NM_147185.3); short protein forms E2717K, E2709K, E932K.
Identifiers: ClinVar variation 2626276 (VCV002626276.2), dbSNP rs766108106, ClinGen allele CA368137461.

ClinVar aggregate classification (germline): Uncertain significance (1 of 4 stars; one submission).

Conditions:
Cardiovascular phenotype. Identifiers: MedGen CN230736.

Submission:

Ambry Genetics
Classification: Uncertain significance for Cardiovascular phenotype. Last evaluated: 2023-06-22. Review status: criteria provided, single submitter. Criteria: Ambry Variant Classification Scheme 2023. Collection method: clinical testing. Allele origin: germline.
Comment: The p.E2717K variant (also known as c.8149G>A), located in coding exon 32 of the AKAP9 gene, results from a G to A substitution at nucleotide position 8149. The glutamic acid at codon 2717 is replaced by lysine, an amino acid with similar properties. This amino acid position is conserved. In addition, this alteration is predicted to be tolerated by in silico analysis. Since supporting evidence is limited at this time, the clinical significance of this alteration remains unclear.